The following is an entry in ClinVar:

ClinVar aggregate classification (germline): Uncertain significance (1 of 4 stars; one submission).

Submission:

Labcorp Genetics (formerly Invitae), Labcorp
Classification: Uncertain significance. Last evaluated: 2024-04-22. Review status: criteria provided, single submitter. Criteria: Invitae Variant Classification Sherloc (09022015). Collection method: clinical testing. Allele origin: germline.
Comment: This sequence change replaces alanine, which is neutral and non-polar, with serine, which is neutral and polar, at codon 126 of the RP1L1 protein (p.Ala126Ser). This variant is not present in population databases (gnomAD no frequency). This variant has not been reported in the literature in individuals affected with RP1L1-related conditions. Advanced modeling of protein sequence and biophysical properties (such as structural, functional, and spatial information, amino acid conservation, physicochemical variation, residue mobility, and thermodynamic stability) performed at Invitae indicates that this missense variant is not expected to disrupt RP1L1 protein function with a negative predictive value of 80%. In summary, the available evidence is currently insufficient to determine the role of this variant in disease. Therefore, it has been classified as a Variant of Uncertain Significance.

NM_178857.6(RP1L1):c.376G>T (p.Ala126Ser)

Gene: RP1L1 (RP1 like 1). Cytogenetic location: 8p23.1.
Variant type: single nucleotide variant.
Coding change: c.376G>T on transcript NM_178857.6 (MANE Select); coding-DNA position 376, G replaced by T.
Protein change: p.Ala126Ser; replaces alanine 126 with serine.
Molecular consequence: missense variant.
Genome position (GRCh38, 1-based): chr8:10,622,826, C>A on the plus strand (G>T on the coding strand, the complement: RP1L1 is on the minus strand). VCF-style: chr8-10622826-C-A. GRCh37 (hg19) VCF-style: chr8-10480336-C-A.
Other names: short protein forms A126S.
Identifiers: ClinVar variation 2707910 (VCV002707910.3), dbSNP rs2117226221, ClinGen allele CA370300364.